The following is an entry in ClinVar:

ClinVar aggregate classification (germline): Uncertain significance. Review status: criteria provided, multiple submitters, no conflicts (2 of 4 stars). 2 submissions from 2 submitters: Uncertain significance (2). Last evaluated 2025-05-07.

Conditions:
POLR1A-related disorder. Also called: POLR1A-related condition.

Allele frequency attached by ClinVar (database versions not stated): gnomAD exomes below 0.00001.
gnomAD v4.1: 2 of 1,613,532 alleles (0.00012%); highest among the groups gnomAD compares: Non-Finnish European, 0.00017%; no homozygotes.

Submissions (2):

PreventionGenetics, part of Exact Sciences
Classification: Uncertain significance for POLR1A-related condition. Last evaluated: 2025-05-07. Review status: criteria provided, single submitter. Criteria: ACMG Guidelines, 2015. Collection method: clinical testing. Allele origin: germline.
Comment: The POLR1A c.1516G>T variant is predicted to result in the amino acid substitution p.Ala506Ser. To our knowledge, this variant has not been reported in the literature or in a large population database (gnomAD), indicating this variant is rare. At this time, the clinical significance of this variant is uncertain due to the absence of conclusive functional and genetic evidence.

Labcorp Genetics (formerly Invitae), Labcorp
Classification: Uncertain significance. Last evaluated: 2021-06-22. Review status: criteria provided, single submitter. Criteria: Invitae Variant Classification Sherloc (09022015). Collection method: clinical testing. Allele origin: germline.
Comment: Algorithms developed to predict the effect of missense changes on protein structure and function are either unavailable or do not agree on the potential impact of this missense change (SIFT: "Not Available"; PolyPhen-2: "Benign"; Align-GVGD: "Not Available"). In summary, the available evidence is currently insufficient to determine the role of this variant in disease. Therefore, it has been classified as a Variant of Uncertain Significance. This variant has not been reported in the literature in individuals with POLR1A-related conditions. This variant is not present in population databases (ExAC no frequency). This sequence change replaces alanine with serine at codon 506 of the POLR1A protein (p.Ala506Ser). The alanine residue is weakly conserved and there is a moderate physicochemical difference between alanine and serine.

NM_015425.6(POLR1A):c.1516G>T (p.Ala506Ser)

Gene: POLR1A (RNA polymerase I subunit A; minus strand). Cytogenetic location: 2p11.2.
Variant type: single nucleotide variant.
Coding change: c.1516G>T on transcript NM_015425.6 (MANE Select); coding-DNA position 1516, G replaced by T.
Protein change: p.Ala506Ser; replaces alanine 506 with serine.
Molecular consequence: missense variant.
Genome position (GRCh38, 1-based): chr2:86,075,125, C>A on the plus strand (G>T on the coding strand, the complement: POLR1A is on the minus strand). VCF-style: chr2-86075125-C-A. GRCh37 (hg19) VCF-style: chr2-86302248-C-A.
Other names: c.1516G>T (NM_015425.4); short protein forms A506S.
Identifiers: ClinVar variation 1519990 (VCV001519990.9), dbSNP rs2104416958, ClinGen allele CA347550458.